The following is an entry in ClinVar:

NM_000501.4(ELN):c.196+5G>A

Gene: ELN (elastin; plus strand). Cytogenetic location: 7q11.23.
Variant type: single nucleotide variant.
Coding change: c.196+5G>A on transcript NM_000501.4 (MANE Select); 5 bases into the intron after coding-DNA position 196, G replaced by A.
Molecular consequence: intron variant.
Genome position (GRCh38, 1-based): chr7:74,037,744, G>A. VCF-style: chr7-74037744-G-A. GRCh37 (hg19) VCF-style: chr7-73452074-G-A.
Other names: c.196+5G>A (NM_001081754.3, NM_001081753.3, NM_001278939.2 and 5 more transcripts); c.166+5G>A (NM_001278914.2, NM_001278917.2, NM_001081752.3 and 1 more transcripts).
Identifiers: ClinVar variation 2827801 (VCV002827801.3), dbSNP rs2484909390, ClinGen allele CA2739266461.

ClinVar aggregate classification (germline): Uncertain significance (1 of 4 stars; one submission).

Conditions:
Supravalvar aortic stenosis (SVAS). Also called: Supravalvar aortic stenosis, Eisenberg type. Identifiers: Orphanet 3193, MedGen C0003499, MONDO:0008504, OMIM 185500, HP:0004381.

Submission:

Labcorp Genetics (formerly Invitae), Labcorp
Classification: Uncertain significance for Supravalvar aortic stenosis. Last evaluated: 2023-01-12. Review status: criteria provided, single submitter. Criteria: Invitae Variant Classification Sherloc (09022015). Collection method: clinical testing. Allele origin: germline.
Comment: In summary, the available evidence is currently insufficient to determine the role of this variant in disease. Therefore, it has been classified as a Variant of Uncertain Significance. Variants that disrupt the consensus splice site are a relatively common cause of aberrant splicing (PMID: 17576681, 9536098). Algorithms developed to predict the effect of sequence changes on RNA splicing suggest that this variant may disrupt the consensus splice site. This variant has not been reported in the literature in individuals affected with ELN-related conditions. This variant is not present in population databases (gnomAD no frequency). This sequence change falls in intron 4 of the ELN gene. It does not directly change the encoded amino acid sequence of the ELN protein. It affects a nucleotide within the consensus splice site.

Literature cited by the submitters: PubMed 17576681; PubMed 9536098.